The following is an entry in ClinVar:

NM_005751.5(AKAP9):c.3226C>T (p.Pro1076Ser)

Gene: AKAP9 (A-kinase anchoring protein 9; plus strand). Cytogenetic location: 7q21.2.
Variant type: single nucleotide variant.
Coding change: c.3226C>T on transcript NM_005751.5 (MANE Select); coding-DNA position 3226, C replaced by T.
Protein change: p.Pro1076Ser; replaces proline 1076 with serine.
Molecular consequence: missense variant.
Genome position (GRCh38, 1-based): chr7:92,003,143, C>T. VCF-style: chr7-92003143-C-T. GRCh37 (hg19) VCF-style: chr7-91632457-C-T.
Other names: c.3226C>T, p.Pro1076Ser (NM_147185.3); short protein forms P1076S.
Identifiers: ClinVar variation 1729127 (VCV001729127.2), dbSNP rs774196711, ClinGen allele CA368126544.
Genomic context (GRCh38, chr7:92,003,143, plus strand): 5'-TTTGAAAATATGACTGTTGGAGAAGAAAGTAAGCAAGAACAGTTGATTTTGGATCACTTA[C>T]CATCTGTAACAAAGGAATCATCACTTAGAGCAACTCAACCAAGTGAAAATGATAAACTTC-3'
Protein context (NP_005742.4, residues 1066-1086): KQEQLILDHL[Pro1076Ser]SVTKESSLRA

ClinVar aggregate classification (germline): Uncertain significance (1 of 4 stars; one submission).

Conditions:
Cardiovascular phenotype. Identifiers: MedGen CN230736.

Submission:

Ambry Genetics
Classification: Uncertain significance for Cardiovascular phenotype. Last evaluated: 2019-07-11. Review status: criteria provided, single submitter. Criteria: Ambry Variant Classification Scheme 2023. Collection method: clinical testing. Allele origin: germline.
Comment: The p.P1076S variant (also known as c.3226C>T), located in coding exon 8 of the AKAP9 gene, results from a C to T substitution at nucleotide position 3226. The proline at codon 1076 is replaced by serine, an amino acid with similar properties. This amino acid position is well conserved in available vertebrate species. In addition, this alteration is predicted to be tolerated by in silico analysis. Since supporting evidence is limited at this time, the clinical significance of this alteration remains unclear.